The following is an entry in ClinVar:

ClinVar aggregate classification (germline): Uncertain significance (1 of 4 stars; one submission).

Conditions:
Atrial fibrillation, familial, 7 (ATFB7). Identifiers: MedGen C2677106, MONDO:0012828, OMIM 612240.

gnomAD v4.1: 2 of 1,613,348 alleles (0.00012%); highest among the groups gnomAD compares: Admixed American, 0.0033%; no homozygotes.

Submission:

Labcorp Genetics (formerly Invitae), Labcorp
Classification: Uncertain significance for Atrial fibrillation, familial, 7. Last evaluated: 2024-09-11. Review status: criteria provided, single submitter. Criteria: Invitae Variant Classification Sherloc (09022015). Collection method: clinical testing. Allele origin: germline.
Comment: This sequence change replaces arginine, which is basic and polar, with glycine, which is neutral and non-polar, at codon 609 of the KCNA5 protein (p.Arg609Gly). This variant is present in population databases (no rsID available, gnomAD 0.006%). This variant has not been reported in the literature in individuals affected with KCNA5-related conditions. An algorithm developed to predict the effect of missense changes on protein structure and function (PolyPhen-2) suggests that this variant¬†is likely to be tolerated. In summary, the available evidence is currently insufficient to determine the role of this variant in disease. Therefore, it has been classified as a Variant of Uncertain Significance.

NM_002234.4(KCNA5):c.1825C>G (p.Arg609Gly)

Gene: KCNA5 (potassium voltage-gated channel subfamily A member 5; plus strand). Cytogenetic location: 12p13.32.
Variant type: single nucleotide variant.
Coding change: c.1825C>G on transcript NM_002234.4 (MANE Select); coding-DNA position 1825, C replaced by G.
Protein change: p.Arg609Gly; replaces arginine 609 with glycine.
Molecular consequence: missense variant.
Genome position (GRCh38, 1-based): chr12:5,045,972, C>G. VCF-style: chr12-5045972-C-G. GRCh37 (hg19) VCF-style: chr12-5155138-C-G.
Other names: short protein forms R609G.
Identifiers: ClinVar variation 3632046 (VCV003632046.1).